The following is an entry in ClinVar:

ClinVar aggregate classification (germline): Pathogenic (1 of 4 stars; one submission).

Conditions:
Inborn genetic diseases. Identifiers: MedGen C0950123, MeSH D030342.

Submission:

Ambry Genetics
Classification: Pathogenic for Inborn genetic diseases. Last evaluated: 2021-12-15. Review status: criteria provided, single submitter. Criteria: Ambry Variant Classification Scheme 2023. Collection method: clinical testing. Allele origin: germline.
Comment: The c.85_86insGGGGGGGGGG (p.A29Gfs*14) alteration, located in exon 1 (coding exon 1) of the ZIC2 gene, consists of an insertion of GGGGGGGGGG at position 85, causing a translational frameshift with a predicted alternate stop codon after 14 amino acids. The predicted stop codon occurs in the 5' end of the ZIC2 gene. Premature termination codons in the 5&rsquo; end of a gene have been reported to escape nonsense-mediated mRNA decay and/or lead to re-initiation (Rivas, 2015; Lindeboom, 2016; Rhee, 2017). Direct evidence for this alteration is unavailable; however, premature termination codons are typically deleterious in nature. This variant was not reported in population-based cohorts in the Genome Aggregation Database (gnomAD). Based on the available evidence, this alteration is classified as pathogenic.

Literature cited by the submitters: PubMed 25954003; PubMed 27618451; PubMed 28490743.

NM_007129.5(ZIC2):c.85_86insGGGGGGGGGG (p.Ala29fs)

Gene: ZIC2 (Zic family member 2; plus strand). Cytogenetic location: 13q32.3.
Variant type: Insertion.
Coding change: c.85_86insGGGGGGGGGG on transcript NM_007129.5 (MANE Select); coding-DNA positions 85 to 86, GGGGGGGGGG inserted.
Protein change: p.Ala29fs; shifts the reading frame from alanine 29.
Molecular consequence: frameshift variant.
Genome position: GRCh38 VCF-style: chr13-99982147-C-CGGGGGGGGGG. GRCh37 (hg19) VCF-style: chr13-100634401-C-CGGGGGGGGGG.
Other names: short protein forms A29fs.
Identifiers: ClinVar variation 2232044 (VCV002232044.2), dbSNP rs2501541341, ClinGen allele CA2573050541.
Genomic context (GRCh38, chr13:99,982,147, plus strand): 5'-AGTTCCCGGCCATCGGGGTGGGCAGCTTCGCGCGCCACCATCACCACTCCGCCGCGGCGG[C>CGGGGGGGGGG]GGCGGCGGCTGCCGCCGAGATGCAGGACCGTGAACTGAGCCTGGCGGCGGCGCAGAACGG-3'